The following is an entry in ClinVar:

NM_000465.4(BARD1):c.2081T>G (p.Leu694Arg)

Gene: BARD1 (BRCA1 associated RING domain 1; minus strand). Cytogenetic location: 2q35.
Variant type: single nucleotide variant.
Coding change: c.2081T>G on transcript NM_000465.4 (MANE Select); coding-DNA position 2081, T replaced by G.
Protein change: p.Leu694Arg; replaces leucine 694 with arginine.
Molecular consequence: missense variant. On other transcripts: non-coding transcript variant (3).
Genome position (GRCh38, 1-based): chr2:214,728,929, A>C on the plus strand (T>G on the coding strand, the complement: BARD1 is on the minus strand). VCF-style: chr2-214728929-A-C. GRCh37 (hg19) VCF-style: chr2-215593653-A-C.
Other names: c.2024T>G, p.Leu675Arg (NM_001282543.2); c.728T>G, p.Leu243Arg (NM_001282545.2); c.671T>G, p.Leu224Arg (NM_001282548.2); c.542T>G, p.Leu181Arg (NM_001282549.2); short protein forms L181R, L243R, L694R, L224R, L675R.
Identifiers: ClinVar variation 4726755 (VCV004726755.1).

ClinVar aggregate classification (germline): Uncertain significance (1 of 4 stars; one submission).

Conditions:
Familial cancer of breast. Also called: Hereditary breast cancer; hereditary breast carcinoma; BREAST CANCER, FAMILIAL. Identifiers: Orphanet 227535, MedGen C0346153, MONDO:0016419, OMIM 114480. Disease mechanism: loss of function.

Submission:

Labcorp Genetics (formerly Invitae), Labcorp
Classification: Uncertain significance for Familial cancer of breast. Last evaluated: 2025-09-07. Review status: criteria provided, single submitter. Criteria: Invitae Variant Classification Sherloc (09022015). Collection method: clinical testing. Allele origin: germline.
Comment: This sequence change replaces leucine, which is neutral and non-polar, with arginine, which is basic and polar, at codon 694 of the BARD1 protein (p.Leu694Arg). This variant is not present in population databases (gnomAD no frequency). This variant has not been reported in the literature in individuals affected with BARD1-related conditions. An algorithm developed to predict the effect of missense changes on protein structure and function (PolyPhen-2) suggests that this variant is likely to be disruptive. In summary, the available evidence is currently insufficient to determine the role of this variant in disease. Therefore, it has been classified as a Variant of Uncertain Significance.